The following is an entry in ClinVar:

ClinVar aggregate classification (germline): Uncertain significance (1 of 4 stars; one submission).

Conditions:
Marfan syndrome (MFS). Also called: MARFAN SYNDROME, TYPE I; Marfan syndrome type 1; Marfan's syndrome; Marfan syndrome, classic; FBN1-Related Marfan Syndrome. Identifiers: Orphanet 284963, Orphanet 558, MedGen C0024796, MONDO:0007947, OMIM 154700.

gnomAD v4.1: 1 of 1,613,806 alleles (0.000062%); highest among the groups gnomAD compares: Non-Finnish European, 0.000085%; no homozygotes.

Submission:

MVZ Martinsried, Medicover Genetics
Classification: Uncertain significance for Marfan syndrome. Last evaluated: 2026-03-20. Review status: criteria provided, single submitter. Criteria: ClinGen Variant Curation SOP V3.2 + Classification Guidance July2025. Collection method: clinical testing. Allele origin: unknown. Affected: yes. Observed: 1 heterozygote.
Comment: PM1, PP3, PP2, PM2_Supporting

NM_000138.5(FBN1):c.6288C>G (p.Cys2096Trp)

Gene: FBN1 (fibrillin 1; minus strand). Cytogenetic location: 15q21.1.
Variant type: single nucleotide variant.
Coding change: c.6288C>G on transcript NM_000138.5 (MANE Select); coding-DNA position 6288, C replaced by G.
Protein change: p.Cys2096Trp; replaces cysteine 2096 with tryptophan.
Molecular consequence: missense variant.
Genome position (GRCh38, 1-based): chr15:48,437,793, G>C on the plus strand (C>G on the coding strand, the complement: FBN1 is on the minus strand). VCF-style: chr15-48437793-G-C. GRCh37 (hg19) VCF-style: chr15-48729990-G-C.
Other names: c.6288C>G, p.Cys2096Trp (NM_001406716.1); short protein forms C2096W.
Identifiers: ClinVar variation 5043475 (VCV005043475.1).
Genomic context (GRCh38, chr15:48,437,793, plus strand): 5'-CATGGCCCAGAGAGAAATGCAGATGACAGACATACCATCAGGTTCCGTGGGGCAGAGCTC[G>C]CAGGGGTCTCCCCAGCCTTCTCCCTTCAAGGCACAGCAGCATTCCTGCTTGGAGTGATTT-3'
Protein context (NP_000129.3, residues 2086-2106): ALKGEGWGDP[Cys2096Trp]ELCPTEPDEA